The following is an entry in ClinVar:

NM_004655.4(AXIN2):c.1172T>C (p.Leu391Pro)

Gene: AXIN2 (axin 2; minus strand). Cytogenetic location: 17q24.1.
Variant type: single nucleotide variant.
Coding change: c.1172T>C on transcript NM_004655.4 (MANE Select); coding-DNA position 1172, T replaced by C.
Protein change: p.Leu391Pro; replaces leucine 391 with proline.
Molecular consequence: missense variant.
Genome position (GRCh38, 1-based): chr17:65,538,231, A>G on the plus strand (T>C on the coding strand, the complement: AXIN2 is on the minus strand). VCF-style: chr17-65538231-A-G. GRCh37 (hg19) VCF-style: chr17-63534349-A-G.
Other names: c.1172T>C (LRG_296t1); c.1172T>C, p.Leu391Pro (NM_001363813.1); short protein forms L391P.
Identifiers: ClinVar variation 576290 (VCV000576290.17), dbSNP rs370821074, ClinGen allele CA8718845.

ClinVar aggregate classification (germline): Uncertain significance. Review status: criteria provided, multiple submitters, no conflicts (2 of 4 stars). 2 submissions from 2 submitters: Uncertain significance (2). Last evaluated 2024-08-12.

Conditions:
Hereditary cancer-predisposing syndrome. Also called: Tumor predisposition; Hereditary neoplastic syndrome; Hereditary Cancer Syndrome; Neoplastic Syndromes, Hereditary. Identifiers: Orphanet 140162, MedGen C0027672, MeSH D009386, MONDO:0015356.
Oligodontia-cancer predisposition syndrome. Also called: TOOTH AGENESIS-COLORECTAL CANCER SYNDROME. Identifiers: Orphanet 300576, MedGen C1837750, MONDO:0012075, OMIM 608615. Disease mechanism: loss of function.

Allele frequency attached by ClinVar (database versions not stated): gnomAD exomes 0.00001; ExAC 0.00002; ESP Exome Variant Server 0.00008.
gnomAD v4.1: 3 of 1,614,216 alleles (0.00019%); highest among the groups gnomAD compares: Non-Finnish European, 0.00025%; no homozygotes.

Submissions (2):

Ambry Genetics
Classification: Uncertain significance for Hereditary cancer-predisposing syndrome. Last evaluated: 2024-08-12. Review status: criteria provided, single submitter. Criteria: Ambry Variant Classification Scheme 2023. Collection method: clinical testing. Allele origin: germline.
Comment: The p.L391P variant (also known as c.1172T>C), located in coding exon 4 of the AXIN2 gene, results from a T to C substitution at nucleotide position 1172. The leucine at codon 391 is replaced by proline, an amino acid with similar properties. This amino acid position is highly conserved in available vertebrate species. In addition, this alteration is predicted to be deleterious by in silico analysis. Since supporting evidence is limited at this time, the clinical significance of this alteration remains unclear.

Labcorp Genetics (formerly Invitae), Labcorp
Classification: Uncertain significance for Oligodontia-cancer predisposition syndrome. Last evaluated: 2024-05-31. Review status: criteria provided, single submitter. Criteria: Invitae Variant Classification Sherloc (09022015). Collection method: clinical testing. Allele origin: germline.
Comment: This sequence change replaces leucine, which is neutral and non-polar, with proline, which is neutral and non-polar, at codon 391 of the AXIN2 protein (p.Leu391Pro). This variant is present in population databases (rs370821074, gnomAD 0.002%). This variant has not been reported in the literature in individuals affected with AXIN2-related conditions. ClinVar contains an entry for this variant (Variation ID: 576290). Advanced modeling of protein sequence and biophysical properties (such as structural, functional, and spatial information, amino acid conservation, physicochemical variation, residue mobility, and thermodynamic stability) performed at Invitae indicates that this missense variant is expected to disrupt AXIN2 protein function with a positive predictive value of 80%. In summary, the available evidence is currently insufficient to determine the role of this variant in disease. Therefore, it has been classified as a Variant of Uncertain Significance.